The following is an entry in ClinVar:

NM_001244710.2(GFPT1):c.134_154dup (p.Gly45_Glu51dup)

Gene: GFPT1 (glutamine--fructose-6-phosphate transaminase 1; minus strand). Cytogenetic location: 2p13.3.
Variant type: Duplication.
Coding change: c.134_154dup on transcript NM_001244710.2 (MANE Select); coding-DNA positions 134 to 154, 21 bases duplicated (GCAATGATAAAGATTGGGAAG).
Protein change: p.Gly45_Glu51dup.
Molecular consequence: inframe insertion.
Genome position (GRCh38, 1-based): chr2:69,370,070-69,370,090, CTTCCCAATCTTTATCATTGC duplicated on the plus strand (GCAATGATAAAGATTGGGAAG on the coding strand, the reverse complement: GFPT1 is on the minus strand); duplicating any 21 consecutive bases within chr2:69,370,070-69,370,092 gives the same sequence; the c. name uses the placement nearest the transcript's 3' end. VCF-style (leftmost placement, unchanged base first): chr2-69370069-G-GCTTCCCAATCTTTATCATTGC. GRCh37 (hg19) VCF-style: chr2-69597201-G-GCTTCCCAATCTTTATCATTGC.
Other names: c.134_154dup, p.Gly45_Glu51dup (NM_002056.4).
Identifiers: ClinVar variation 571927 (VCV000571927.10), dbSNP rs1558773904, ClinGen allele CA891842683.

ClinVar aggregate classification (germline): Uncertain significance (1 of 4 stars; one submission).

Conditions:
Congenital myasthenic syndrome 12 (CMS12). Also called: Myasthenia, congenital, 12, with tubular aggregates; MYASTHENIC SYNDROME, CONGENITAL, WITH TUBULAR AGGREGATES 1. Identifiers: Orphanet 353327, Orphanet 590, MedGen C3552335, MONDO:0012518, OMIM 610542.

Submission:

Labcorp Genetics (formerly Invitae), Labcorp
Classification: Uncertain significance for Congenital myasthenic syndrome 12. Last evaluated: 2023-12-09. Review status: criteria provided, single submitter. Criteria: Invitae Variant Classification Sherloc (09022015). Collection method: clinical testing. Allele origin: germline.
Comment: This variant, c.134_154dup, results in the insertion of 7 amino acid(s) of the GFPT1 protein (p.Gly45_Glu51dup), but otherwise preserves the integrity of the reading frame. This variant is not present in population databases (gnomAD no frequency). This variant has not been reported in the literature in individuals affected with GFPT1-related conditions. ClinVar contains an entry for this variant (Variation ID: 571927). Experimental studies and prediction algorithms are not available or were not evaluated, and the functional significance of this variant is currently unknown. In summary, the available evidence is currently insufficient to determine the role of this variant in disease. Therefore, it has been classified as a Variant of Uncertain Significance.